The following is an entry in ClinVar:

ClinVar aggregate classification (germline): Uncertain significance (1 of 4 stars; one submission).

Submission:

Labcorp Genetics (formerly Invitae), Labcorp
Classification: Uncertain significance. Last evaluated: 2022-08-17. Review status: criteria provided, single submitter. Criteria: Invitae Variant Classification Sherloc (09022015). Collection method: clinical testing. Allele origin: germline.
Comment: This sequence change creates a premature translational stop signal (p.Lys411*) in the FBLN5 gene. While this is not anticipated to result in nonsense mediated decay, it is expected to disrupt the last 38 amino acid(s) of the FBLN5 protein. This variant is not present in population databases (gnomAD no frequency). This variant has not been reported in the literature in individuals affected with FBLN5-related conditions. In summary, the available evidence is currently insufficient to determine the role of this variant in disease. Therefore, it has been classified as a Variant of Uncertain Significance.

NM_006329.4(FBLN5):c.1231A>T (p.Lys411Ter)

Gene: FBLN5 (fibulin 5; minus strand). Cytogenetic location: 14q32.12.
Variant type: single nucleotide variant.
Coding change: c.1231A>T on transcript NM_006329.4 (MANE Select); coding-DNA position 1231, A replaced by T.
Protein change: p.Lys411Ter; replaces lysine 411 with a stop codon.
Molecular consequence: nonsense. On other transcripts: 3 prime UTR variant (2).
Genome position (GRCh38, 1-based): chr14:91,870,340, T>A on the plus strand (A>T on the coding strand, the complement: FBLN5 is on the minus strand). VCF-style: chr14-91870340-T-A. GRCh37 (hg19) VCF-style: chr14-92336684-T-A.
Other names: c.1354A>T, p.Lys452Ter (NM_001384158.1); c.1282A>T, p.Lys428Ter (NM_001384159.1); c.*15A>T (NM_001384160.1, NM_001384161.1); c.1063A>T, p.Lys355Ter (NM_001384162.1); short protein forms K411*, K428*, K355*, K452*.
Identifiers: ClinVar variation 2017076 (VCV002017076.4), dbSNP rs2542729722, ClinGen allele CA390639388.
Genomic context (GRCh38, chr14:91,870,340, plus strand): 5'-AGTTGATGACAGTGTTGACAGTGATCATTTCCAAGTCCAGCTGGATTTCCCGGGGCCCTT[T>A]GATGGGGCGTGTCATCACCAGGGTGGCACTGATGGGGCCCGTTTGCTATGGACAGAACCG-3'